The following is an entry in ClinVar:

ClinVar aggregate classification (germline): Uncertain significance (1 of 4 stars; one submission).

Allele frequency attached by ClinVar (database versions not stated): gnomAD exomes below 0.00001.
gnomAD v4.1: 1 of 1,614,194 alleles (0.000062%); highest among the groups gnomAD compares: Non-Finnish European, 0.000085%; no homozygotes.

Submission:

Ambry Genetics
Classification: Uncertain significance. Last evaluated: 2023-11-23. Review status: criteria provided, single submitter. Criteria: Ambry Variant Classification Scheme 2023. Collection method: clinical testing. Allele origin: germline.
Comment: The p.D373G variant (also known as c.1118A>G), located in coding exon 9 of the FAM175A gene, results from an A to G substitution at nucleotide position 1118. The aspartic acid at codon 373 is replaced by glycine, an amino acid with similar properties. This amino acid position is conserved. In addition, this alteration is predicted to be tolerated by in silico analysis. Since supporting evidence is limited at this time, the clinical significance of this alteration remains unclear.

NM_139076.3(ABRAXAS1):c.1118A>G (p.Asp373Gly)

Gene: ABRAXAS1 (abraxas 1, BRCA1 A complex subunit; minus strand). Cytogenetic location: 4q21.23.
Variant type: single nucleotide variant.
Coding change: c.1118A>G on transcript NM_139076.3 (MANE Select); coding-DNA position 1118, A replaced by G.
Protein change: p.Asp373Gly; replaces aspartic acid 373 with glycine.
Molecular consequence: missense variant.
Genome position (GRCh38, 1-based): chr4:83,462,581, T>C on the plus strand (A>G on the coding strand, the complement: ABRAXAS1 is on the minus strand). VCF-style: chr4-83462581-T-C. GRCh37 (hg19) VCF-style: chr4-84383734-T-C.
Other names: c.791A>G, p.Asp264Gly (NM_001345962.2); short protein forms D264G, D373G.
Identifiers: ClinVar variation 3229134 (VCV003229134.1), dbSNP rs2529418126, ClinGen allele CA357255097.